The following is an entry in ClinVar:

ClinVar aggregate classification (germline): Pathogenic. Review status: criteria provided, multiple submitters, no conflicts (2 of 4 stars). 2 submissions from 2 submitters: Pathogenic (2). Last evaluated 2023-07-17.

Conditions:
Peroxisome biogenesis disorder. Identifiers: Orphanet 79189, MedGen C1832200, MONDO:0019234. Disease mechanism: loss of function.
Peroxisome biogenesis disorder 4A (Zellweger) (PBD4A). Also called: Zellweger syndrome spectrum (PEX6-related). Identifiers: Orphanet 912, MedGen C3553936, MONDO:0013930, OMIM 614862. Disease mechanism: loss of function.

Submissions (2):

Victorian Clinical Genetics Services, Murdoch Childrens Research Institute
Classification: Pathogenic for Peroxisome biogenesis disorder 4A (Zellweger). Last evaluated: 2023-07-17. Review status: criteria provided, single submitter. Criteria: ACMG Guidelines, 2015. Collection method: clinical testing. Allele origin: germline. Inheritance: Autosomal recessive inheritance. Affected: yes.
Comment: Based on the classification scheme VCGS_Germline_v1.3.4, this variant is classified as Pathogenic. Following criteria are met: 0102 - Loss of function is a known mechanism of disease in this gene and is associated with peroxisome biogenesis disorder 4A (Zellweger syndrome). (I) 0108 - This gene is associated with both recessive and dominant disease. Dominant disease is caused by a single recurring missense p.(Arg860Trp) (OMIM, PMID: 29220678). (I) 0201 - Variant is predicted to cause nonsense-mediated decay (NMD) and loss of protein (premature termination codon is located at least 54 nucleotides upstream of the final exon-exon junction). (SP) 0251 - This variant is heterozygous. (I) 0301 - Variant is absent from gnomAD (both v2 and v3). (SP) 0803 - This variant has limited previous evidence of pathogenicity in unrelated individuals. The variant has been previously reported in a patient with Zellweger syndrome and mRNA studies suggested that this variant causes skipping of exon 3, however no protein studies were performed (PMID: 19877282). This variant has also been classified once as pathogenic by one clinical diagnostic laboratory (ClinVar). (SP) 0701 - Other NMD predicted variants comparable to the one identified in this case have very strong previous evidence for pathogenicity. Other variants predicted to cause NMD have been reported as pathogenic in individuals with Zellweger syndrome (ClinVar, DECIPHER). (SP) 1201 - Heterozygous variant detected in trans with a second pathogenic heterozygous variant (NM_000287.3(PEX6):c.1996G>T; p.Glu666*) in a recessive disease. (I) Legend: (SP) - Supporting pathogenic, (I) - Information, (SB) - Supporting benign

Labcorp Genetics (formerly Invitae), Labcorp
Classification: Pathogenic for Peroxisome biogenesis disorders, Zellweger syndrome spectrum. Last evaluated: 2019-10-25. Review status: criteria provided, single submitter. Criteria: Invitae Variant Classification Sherloc (09022015). Collection method: clinical testing. Allele origin: germline.
Comment: This sequence change creates a premature translational stop signal (p.Gln352*) in the PEX6 gene. It is expected to result in an absent or disrupted protein product. This variant is not present in population databases (ExAC no frequency). This variant has been observed in an individual affected with Zellweger syndrome (PMID: 19877282). Loss-of-function variants in PEX6 are known to be pathogenic (PMID: 8670792, 19877282, 21031596). For these reasons, this variant has been classified as Pathogenic.

Literature cited by the submitters: PubMed 19877282 (cited by Victorian Clinical Genetics Services, Murdoch Childrens Research Institute and Labcorp Genetics (formerly Invitae), Labcorp); PubMed 29220678 (cited by Victorian Clinical Genetics Services, Murdoch Childrens Research Institute).

NM_000287.4(PEX6):c.1054C>T (p.Gln352Ter)

Gene: PEX6 (peroxisomal biogenesis factor 6; minus strand). Cytogenetic location: 6p21.1.
Variant type: single nucleotide variant.
Coding change: c.1054C>T on transcript NM_000287.4 (MANE Select); coding-DNA position 1054, C replaced by T.
Protein change: p.Gln352Ter; replaces glutamine 352 with a stop codon.
Molecular consequence: nonsense. On other transcripts: non-coding transcript variant (1).
Genome position (GRCh38, 1-based): chr6:42,974,079, G>A on the plus strand (C>T on the coding strand, the complement: PEX6 is on the minus strand). VCF-style: chr6-42974079-G-A. GRCh37 (hg19) VCF-style: chr6-42941817-G-A.
Other names: c.790C>T, p.Gln264Ter (NM_001316313.2); short protein forms Q264*, Q352*.
Identifiers: ClinVar variation 940761 (VCV000940761.2), dbSNP rs267608212, ClinGen allele CA138230769.